The following is an entry in ClinVar:

ClinVar aggregate classification (germline): Uncertain significance. Review status: criteria provided, multiple submitters, no conflicts (2 of 4 stars). 4 submissions from 4 submitters: Uncertain significance (4). Last evaluated 2025-09-23.

Conditions:
Familial thoracic aortic aneurysm and aortic dissection (TAAD). Also called: Thoracic aortic aneurysms and dissections. Identifiers: Orphanet 91387, MedGen C4707243, MONDO:0019625.
Aortic aneurysm, familial thoracic 7 (AAT7). Also called: AORTIC DISSECTION, FAMILIAL, WITH OR WITHOUT AORTIC ANEURYSM. Identifiers: MedGen C3151077, MONDO:0013418, OMIM 613780.

Allele frequency attached by ClinVar (database versions not stated): gnomAD exomes below 0.00001; TOPMed below 0.00001; ExAC 0.00001; gnomAD 0.00003 and 0.00004; ESP Exome Variant Server 0.00008.
gnomAD v4.1: 7 of 1,612,710 alleles (0.00043%); highest among the groups gnomAD compares: African/African-American, 0.0067%; no homozygotes.

Submissions (4):

Labcorp Genetics (formerly Invitae), Labcorp
Classification: Uncertain significance for Aortic aneurysm, familial thoracic 7. Last evaluated: 2025-09-23. Review status: criteria provided, single submitter. Criteria: Invitae Variant Classification Sherloc (09022015). Collection method: clinical testing. Allele origin: germline.
Comment: This sequence change replaces valine, which is neutral and non-polar, with methionine, which is neutral and non-polar, at codon 1435 of the MYLK protein (p.Val1435Met). This variant is present in population databases (rs375433770, gnomAD 0.01%). This variant has not been reported in the literature in individuals affected with MYLK-related conditions. ClinVar contains an entry for this variant (Variation ID: 1320369). Invitae Evidence Modeling of protein sequence and biophysical properties (such as structural, functional, and spatial information, amino acid conservation, physicochemical variation, residue mobility, and thermodynamic stability) indicates that this missense variant is not expected to disrupt MYLK protein function with a negative predictive value of 80%. In summary, the available evidence is currently insufficient to determine the role of this variant in disease. Therefore, it has been classified as a Variant of Uncertain Significance.

Women's Health and Genetics/Laboratory Corporation of America, LabCorp
Classification: Uncertain significance. Last evaluated: 2023-10-29. Review status: criteria provided, single submitter. Criteria: LabCorp Variant Classification Summary - May 2015. Collection method: clinical testing. Allele origin: germline.

Ambry Genetics
Classification: Uncertain significance for Familial thoracic aortic aneurysm and aortic dissection. Last evaluated: 2023-06-29. Review status: criteria provided, single submitter. Criteria: Ambry Variant Classification Scheme 2023. Collection method: clinical testing. Allele origin: germline.
Comment: The p.V1435M variant (also known as c.4303G>A), located in coding exon 22 of the MYLK gene, results from a G to A substitution at nucleotide position 4303. The valine at codon 1435 is replaced by methionine, an amino acid with highly similar properties. This amino acid position is conserved. In addition, this alteration is predicted to be tolerated by in silico analysis. Since supporting evidence is limited at this time, the clinical significance of this alteration remains unclear.

GeneDx
Classification: Uncertain significance. Last evaluated: 2020-08-17. Review status: criteria provided, single submitter. Criteria: GeneDx Variant Classification Process June 2021. Collection method: clinical testing. Allele origin: germline. Affected: yes.
Comment: Has not been previously published as pathogenic or benign to our knowledge; In silico analysis, which includes protein predictors and evolutionary conservation, supports that this variant does not alter protein structure/function; Not observed at a significant frequency in large population cohorts (Lek et al., 2016)

NM_053025.4(MYLK):c.4303G>A (p.Val1435Met)

Gene: MYLK (myosin light chain kinase; minus strand). Cytogenetic location: 3q21.1.
Variant type: single nucleotide variant.
Coding change: c.4303G>A on transcript NM_053025.4 (MANE Select); coding-DNA position 4303, G replaced by A.
Protein change: p.Val1435Met; replaces valine 1435 with methionine.
Molecular consequence: missense variant.
Genome position (GRCh38, 1-based): chr3:123,649,180, C>T on the plus strand (G>A on the coding strand, the complement: MYLK is on the minus strand). VCF-style: chr3-123649180-C-T. GRCh37 (hg19) VCF-style: chr3-123368027-C-T.
Other names: c.3775G>A, p.Val1259Met (NM_001321309.2); c.4096G>A, p.Val1366Met (NM_053026.4, NM_053028.4); c.4303G>A, p.Val1435Met (NM_053027.4); short protein forms V1259M, V1366M, V1435M.
Identifiers: ClinVar variation 1320369 (VCV001320369.6), dbSNP rs375433770, ClinGen allele CA071353.